The following is an entry in ClinVar:

NM_001037131.3(AGAP1):c.2135_2148delinsA (p.Ile712fs)

Gene: AGAP1 (ArfGAP with GTPase domain, ankyrin repeat and PH domain 1; plus strand). Cytogenetic location: 2q37.2.
Variant type: Indel.
Coding change: c.2135_2148delinsA on transcript NM_001037131.3 (MANE Select); coding-DNA positions 2135 to 2148, TCCGTGCCAAGTAC replaced by A.
Protein change: p.Ile712fs; shifts the reading frame from isoleucine 712.
Molecular consequence: frameshift variant.
Genome position (GRCh38, 1-based): chr2:236,120,212-236,120,225, TCCGTGCCAAGTAC replaced by A. VCF-style: chr2-236120212-TCCGTGCCAAGTAC-A. GRCh37 (hg19) VCF-style: chr2-237028856-TCCGTGCCAAGTAC-A.
Other names: c.2930_2943delinsA, p.Ile977fs (NM_001436125.1); c.2771_2784delinsA, p.Ile924fs (NM_001436126.1); c.1976_1989delinsA, p.Ile659fs (NM_014914.5); short protein forms I659fs, I712fs, I924fs, I977fs.
Identifiers: ClinVar variation 4855602 (VCV004855602.1).

ClinVar aggregate classification (germline): Uncertain significance (1 of 4 stars; one submission).

Conditions:
AGAP1-related disorder.

Submission:

3billion
Classification: Uncertain significance for AGAP1-related disorder. Last evaluated: 2025-12-23. Review status: criteria provided, single submitter. Criteria: ACMG Guidelines, 2015. Collection method: clinical testing. Allele origin: germline. Affected: yes.
Comment: The variant is not observed in the gnomAD v4.1.0 dataset. Predicted Consequence/Location: Frameshift variant Therefore, this variant is classified as VUS according to the recommendation of ACMG/AMP guideline.